The following is an entry in ClinVar:

NM_001267550.2(TTN):c.58780del (p.Asp19594fs)

Genes: TTN (titin; minus strand), TTN-AS1 (TTN antisense RNA 1; plus strand). Cytogenetic location: 2q31.2.
Variant type: Deletion.
Coding change: c.58780del on transcript NM_001267550.2 (MANE Select); coding-DNA position 58780, one base deleted (G; older notation c.58780delG).
Protein change: p.Asp19594fs; shifts the reading frame from aspartic acid 19594.
Molecular consequence: frameshift variant.
Genome position (GRCh38, 1-based): chr2:178,593,428, C deleted on the plus strand (G on the coding strand, the reverse complement: TTN is on the minus strand). VCF-style (leftmost placement, unchanged base first): chr2-178593427-TC-T. GRCh37 (hg19) VCF-style: chr2-179458154-TC-T.
Other names: c.53857del, p.Asp17953fs (NM_001256850.1); c.31585del, p.Asp10529fs (NM_003319.4); c.51076del, p.Asp17026fs (NM_133378.4); c.31960del, p.Asp10654fs (NM_133432.3); c.32161del, p.Asp10721fs (NM_133437.4); short protein forms D10529fs, D10654fs, D10721fs, D17026fs, D17953fs, D19594fs.
Identifiers: ClinVar variation 3238946 (VCV003238946.1), dbSNP rs2469578075.

ClinVar aggregate classification (germline): Likely pathogenic (1 of 4 stars; one submission).

Conditions:
Dilated cardiomyopathy 1G (CMD1G). Identifiers: Orphanet 154, MedGen C1858763, MONDO:0011400, OMIM 604145.

Submission:

KardioGenetik, Herz- und Diabeteszentrum NRW
Classification: Likely pathogenic for Dilated cardiomyopathy 1G. Last evaluated: 2024-05-13. Review status: criteria provided, single submitter. Criteria: ACMG Guidelines, 2015. Collection method: clinical testing. Allele origin: unknown. Affected: yes. Observed: 1 variant allele.
Comment: PVS1, PM2